The following is an entry in ClinVar:

NM_182931.3(KMT2E):c.3489dup (p.Lys1164Ter)

Gene: KMT2E (lysine methyltransferase 2E (inactive); plus strand). Cytogenetic location: 7q22.3.
Variant type: Duplication.
Coding change: c.3489dup on transcript NM_182931.3 (MANE Select); coding-DNA position 3489, one base duplicated (T; older notation c.3489dupT).
Protein change: p.Lys1164Ter; replaces lysine 1164 with a stop codon.
Molecular consequence: nonsense.
Genome position (GRCh38, 1-based): chr7:105,108,962, T duplicated. VCF-style (leftmost placement, unchanged base first): chr7-105108961-G-GT. GRCh37 (hg19) VCF-style: chr7-104749408-G-GT.
Other names: c.3489dup (NM_182931.2); c.3489dup, p.Lys1164Ter (NM_018682.4); short protein forms K1164*.
Identifiers: ClinVar variation 1301853 (VCV001301853.5), dbSNP rs1479029169, ClinGen allele CA577197469.
Genomic context (GRCh38, chr7:105,108,961, plus strand): 5'-AAGAATAAAAGATTTGCTTTTTCTCATCTTTCTTGCTTAAGGTTTCTCTATTAGAATACC[G>GT]TAAGAGACAACGTGAAGCTAGGAAAAGTGGCTCTAAGACAGAGAACTTTCCACTCATTAG-3'

ClinVar aggregate classification (germline): Pathogenic/Likely pathogenic. Review status: criteria provided, multiple submitters, no conflicts (2 of 4 stars). 2 submissions from 2 submitters: Pathogenic (1); Likely pathogenic (1). Last evaluated 2025-04-30.

Conditions:
O'Donnell-Luria-Rodan syndrome (ODLURO). Also called: KMT2E-Related Neurodevelopmental Disorder. Identifiers: MedGen C5193138, MONDO:0032793, OMIM 618512.

Submissions (2):

GeneDx
Classification: Pathogenic. Last evaluated: 2025-04-30. Review status: criteria provided, single submitter. Criteria: GeneDx Variant Classification Process June 2021. Collection method: clinical testing. Allele origin: germline. Affected: yes.
Comment: Nonsense variant predicted to result in protein truncation or nonsense mediated decay in a gene for which loss of function is a known mechanism of disease; Not observed at significant frequency in large population cohorts (gnomAD); Has not been previously published as pathogenic or benign to our knowledge

Institute of Human Genetics, University of Goettingen
Classification: Likely pathogenic for O'Donnell-Luria-Rodan syndrome. Last evaluated: 2021-10-27. Review status: criteria provided, single submitter. Criteria: ACMG Guidelines, 2015. Collection method: clinical testing. Allele origin: unknown. Inheritance: Autosomal dominant inheritance. Affected: yes. Observed: 1 heterozygote.
Comment: The variant c.3489dup (p.(Lys1164*)) in exon 22 of the KMT2E gene is not found in the gnomAD database and interrupts the reading frame prematurely at position 1164. Truncating mutations within this gene are a known mechanism of disease: Pathogenic mutations in the KMT2E gene are causative for the autosomal dominant inherited O'Donnell-Luria-Rodan syndrome - a neurodevelopmental disorder, which can be associated in affected individuals with a language development disorder, an intellectual impairment of highly variable extent, infantile hypotonia, gastrointestinal anomalies and subtle dysmorphic features (here in particular with a prominent, high forehead). While epilepsies have been described mainly in female carriers of pathogenic KMT2E mutations, autistic traits have been observed particularly often in male patients. Missense mutations in KMT2E have been associated with microcephaly and a greater developmental delay in affected individuals, whereas truncating KMT2E sequence alterations caused a comparatively milder phenotype and macrocephaly. Most pathogenic KMT2E variants described to date were de novo in patients (O'Donnell-Luria et al. (2019) Am J Hum Genet 104:1210, PMID: 31079897). A de novo testing in our patient was not possible. ACMG criteria used for classification: PVS1, PM2, PP3.